The following is an entry in ClinVar:

NM_000204.5(CFI):c.1354G>T (p.Ala452Ser)

Gene: CFI (complement factor I; minus strand). Cytogenetic location: 4q25.
Variant type: single nucleotide variant.
Coding change: c.1354G>T on transcript NM_000204.5 (MANE Select); coding-DNA position 1354, G replaced by T.
Protein change: p.Ala452Ser; replaces alanine 452 with serine.
Molecular consequence: missense variant. On other transcripts: non-coding transcript variant (2).
Genome position (GRCh38, 1-based): chr4:109,746,297, C>A on the plus strand (G>T on the coding strand, the complement: CFI is on the minus strand). VCF-style: chr4-109746297-C-A. GRCh37 (hg19) VCF-style: chr4-110667453-C-A.
Other names: p.Ala452Ser; c.1378G>T, p.Ala460Ser (NM_001318057.2, NM_001375278.1); c.1333G>T, p.Ala445Ser (NM_001331035.2, NM_001375280.1, NM_001375282.1); c.1354G>T, p.Ala452Ser (NM_001375279.1, NM_001375281.1); c.1297G>T, p.Ala433Ser (NM_001375283.1); c.745G>T, p.Ala249Ser (NM_001375284.1); c.1354G>T (NM_000204.4); short protein forms A445S, A433S, A460S, A249S, A452S.
Identifiers: ClinVar variation 2151988 (VCV002151988.7), dbSNP rs750018382, ClinGen allele CA3041930.

ClinVar aggregate classification (germline): Conflicting classifications of pathogenicity. Review status: criteria provided, conflicting classifications (1 of 4 stars). 3 submissions from 3 submitters: Likely pathogenic (1); Uncertain significance (2). Last evaluated 2026-09-17.

Conditions:
CFI-related disorder. Also called: CFI-related disorders; CFI-related condition. Identifiers: MedGen CN239325.

gnomAD v4.1: 25 of 1,614,026 alleles (0.0015%); highest among the groups gnomAD compares: East Asian, 0.0089%; no homozygotes.

Submissions (3):

Genomenon, Inc
Classification: Likely pathogenic for CFI-related disorder. Last evaluated: 2026-09-17. Review status: criteria provided, single submitter. Criteria: Genomenon Sequence Variant Interpretation Standards - Updated. Collection method: curation. Allele origin: germline. Affected: yes.
Comment: CFI p.Ala452Ser (c.1354G>T) is a missense variant that changes the amino acid at codon 452 from Alanine to Serine. This variant has been observed in at least one proband affected with a CFI-related disorder (PMID:32510551). Functional studies have been reported (PMID:32510551). This variant is located in a mutational hotspot and/or important functional domain. It is absent or not present at a significant frequency in gnomAD. In silico models predict that this variant is possibly or probably damaging. In conclusion, we classify CFI p.Ala452Ser (c.1354G>T) as a likely pathogenic variant.

Mayo Clinic Laboratories, Mayo Clinic
Classification: Uncertain significance. Last evaluated: 2023-07-18. Review status: criteria provided, single submitter. Criteria: ACMG Guidelines, 2015. Collection method: clinical testing. Allele origin: germline. Observed: 1 variant allele.
Comment: PP3, PP4, PS4_moderate

Labcorp Genetics (formerly Invitae), Labcorp
Classification: Uncertain significance. Last evaluated: 2022-01-04. Review status: criteria provided, single submitter. Criteria: Invitae Variant Classification Sherloc (09022015). Collection method: clinical testing. Allele origin: germline.
Comment: Advanced modeling of protein sequence and biophysical properties (such as structural, functional, and spatial information, amino acid conservation, physicochemical variation, residue mobility, and thermodynamic stability) performed at Invitae indicates that this missense variant is not expected to disrupt CFI protein function. In summary, the available evidence is currently insufficient to determine the role of this variant in disease. Therefore, it has been classified as a Variant of Uncertain Significance. This missense change has been observed in individual(s) with features that overlap with atypical hemolytic uremic syndrome and C3 glomerulopathy (PMID: 29888403). This variant is present in population databases (rs750018382, gnomAD 0.006%). This sequence change replaces alanine, which is neutral and non-polar, with serine, which is neutral and polar, at codon 452 of the CFI protein (p.Ala452Ser).

Literature cited by the submitters: PubMed 32510551 (cited by Genomenon, Inc and Mayo Clinic Laboratories, Mayo Clinic); PubMed 29888403 (cited by Mayo Clinic Laboratories, Mayo Clinic and Labcorp Genetics (formerly Invitae), Labcorp).